The following is an entry in ClinVar:

NM_000298.6(PKLR):c.196G>T (p.Ala66Ser)

Gene: PKLR (pyruvate kinase L/R; minus strand). Cytogenetic location: 1q22.
Variant type: single nucleotide variant.
Coding change: c.196G>T on transcript NM_000298.6 (MANE Select); coding-DNA position 196, G replaced by T.
Protein change: p.Ala66Ser; replaces alanine 66 with serine.
Molecular consequence: missense variant.
Genome position (GRCh38, 1-based): chr1:155,300,185, C>A on the plus strand (G>T on the coding strand, the complement: PKLR is on the minus strand). VCF-style: chr1-155300185-C-A. GRCh37 (hg19) VCF-style: chr1-155269976-C-A.
Other names: c.103G>T, p.Ala35Ser (NM_181871.4); short protein forms A35S, A66S.
Identifiers: ClinVar variation 3680290 (VCV003680290.2).
Genomic context (GRCh38, chr1:155,300,185, plus strand): 5'-GAGCAGCCACGGGCTCGGAGTCAATGTCCAGTAGGCAGAGGTGTTCCAGGAAGGTGTCTG[C>A]CATAGCAGCTGGCAGCTGCTGCTGCTGGAAGAAGGCAGTGCCCAGCTCCTGGGTCAGTTG-3'
Protein context (NP_000289.1, residues 56-76): FQQQQLPAAM[Ala66Ser]DTFLEHLCLL

ClinVar aggregate classification (germline): Uncertain significance (1 of 4 stars; one submission).

Submission:

Labcorp Genetics (formerly Invitae), Labcorp
Classification: Uncertain significance. Last evaluated: 2025-01-09. Review status: criteria provided, single submitter. Criteria: Invitae Variant Classification Sherloc (09022015). Collection method: clinical testing. Allele origin: germline.
Comment: This sequence change replaces alanine, which is neutral and non-polar, with serine, which is neutral and polar, at codon 66 of the PKLR protein (p.Ala66Ser). This variant is not present in population databases (gnomAD no frequency). This variant has not been reported in the literature in individuals affected with PKLR-related conditions. An algorithm developed to predict the effect of missense changes on protein structure and function (PolyPhen-2) suggests that this variant is likely to be disruptive. In summary, the available evidence is currently insufficient to determine the role of this variant in disease. Therefore, it has been classified as a Variant of Uncertain Significance.